The following is an entry in ClinVar:

ClinVar aggregate classification (germline): Uncertain significance (1 of 4 stars; one submission).

Submission:

GeneDx
Classification: Uncertain significance. Last evaluated: 2019-10-21. Review status: criteria provided, single submitter. Criteria: GeneDx Variant Classification Process June 2021. Collection method: clinical testing. Allele origin: germline. Affected: yes.
Comment: Not observed in large population cohorts (Lek et al., 2016); In silico analysis, which includes protein predictors and evolutionary conservation, supports a deleterious effect; Has not been previously published as pathogenic or benign to our knowledge

NM_014225.6(PPP2R1A):c.641C>G (p.Ser214Cys)

Gene: PPP2R1A (protein phosphatase 2 scaffold subunit Aalpha; plus strand). Cytogenetic location: 19q13.41.
Variant type: single nucleotide variant.
Coding change: c.641C>G on transcript NM_014225.6 (MANE Select); coding-DNA position 641, C replaced by G.
Protein change: p.Ser214Cys; replaces serine 214 with cysteine.
Molecular consequence: missense variant. On other transcripts: non-coding transcript variant (1).
Genome position (GRCh38, 1-based): chr19:52,212,823, C>G. VCF-style: chr19-52212823-C-G. GRCh37 (hg19) VCF-style: chr19-52716076-C-G.
Other names: c.104C>G, p.Ser35Cys (NM_001363656.2); short protein forms S214C, S35C.
Identifiers: ClinVar variation 1309292 (VCV001309292.2), dbSNP rs1284984038, ClinGen allele CA407184108.
Genomic context (GRCh38, chr19:52,212,823, plus strand): 5'-AGGTGCTGGAGCTGGACAACGTCAAGAGTGAGATCATCCCCATGTTCTCCAACCTGGCCT[C>G]TGACGAGCAGGTGAGTTTTGCTTCCTGGCCCTCTGCTCTCCCGTCCTTCTGGTGGTTCCT-3'
Protein context (NP_055040.2, residues 204-224): EIIPMFSNLA[Ser214Cys]DEQDSVRLLA